The following is an entry in ClinVar:

NM_004456.5(EZH2):c.677C>G (p.Ala226Gly)

Gene: EZH2 (enhancer of zeste 2 polycomb repressive complex 2 subunit; minus strand). Cytogenetic location: 7q36.1.
Variant type: single nucleotide variant.
Coding change: c.677C>G on transcript NM_004456.5 (MANE Select); coding-DNA position 677, C replaced by G.
Protein change: p.Ala226Gly; replaces alanine 226 with glycine.
Molecular consequence: missense variant.
Genome position (GRCh38, 1-based): chr7:148,827,215, G>C on the plus strand (C>G on the coding strand, the complement: EZH2 is on the minus strand). VCF-style: chr7-148827215-G-C. GRCh37 (hg19) VCF-style: chr7-148524307-G-C.
Other names: c.677C>G, p.Ala226Gly (NM_001203247.2); c.650C>G, p.Ala217Gly (NM_001203248.2, NM_001203249.2); c.560C>G, p.Ala187Gly (NM_152998.3); short protein forms A187G, A217G, A226G.
Identifiers: ClinVar variation 4083269 (VCV004083269.1).

ClinVar aggregate classification (germline): Uncertain significance (1 of 4 stars; one submission).

Submission:

GeneDx
Classification: Uncertain significance. Last evaluated: 2025-03-12. Review status: criteria provided, single submitter. Criteria: GeneDx Variant Classification Process June 2021. Collection method: clinical testing. Allele origin: germline. Affected: yes.
Comment: Not observed at significant frequency in large population cohorts (gnomAD); In silico analysis supports that this missense variant has a deleterious effect on protein structure/function; Has not been previously published as pathogenic or benign to our knowledge